The following is an entry in ClinVar:

ClinVar aggregate classification (germline): Pathogenic. Review status: criteria provided, multiple submitters, no conflicts (2 of 4 stars). 3 submissions from 3 submitters: Pathogenic (3). Last evaluated 2023-09-22.

Conditions:
RPGR-related disorder. Also called: RPGR-related condition.
Primary ciliary dyskinesia. Also called: Ciliary dyskinesia. Identifiers: Orphanet 244, MedGen C0008780, MONDO:0016575, HP:0012265.

Submissions (3):

Blueprint Genetics
Classification: Pathogenic for RPGR-related disorders. Last evaluated: 2023-09-22. Review status: criteria provided, single submitter. Criteria: ACMG Guidelines, 2015. Collection method: clinical testing. Allele origin: germline. Affected: yes. Observed: 2 variant alleles.

Labcorp Genetics (formerly Invitae), Labcorp
Classification: Pathogenic for Primary ciliary dyskinesia. Last evaluated: 2022-10-17. Review status: criteria provided, single submitter. Criteria: Invitae Variant Classification Sherloc (09022015). Collection method: clinical testing. Allele origin: germline.
Comment: For these reasons, this variant has been classified as Pathogenic. This variant disrupts a region of the RPGR (ORF15) protein in which other variant(s) (p.Leu1130Lysfs*13) have been determined to be pathogenic (PMID: 22264887; Invitae). This suggests that this is a clinically significant region of the protein, and that variants that disrupt it are likely to be disease-causing. This premature translational stop signal has been observed in individual(s) with cone-rod dystrophy (PMID: 22264887). This variant is not present in population databases (gnomAD no frequency). This sequence change creates a premature translational stop signal (p.Glu1066Glyfs*12) in the RPGR (ORF15) gene. While this is not anticipated to result in nonsense mediated decay, it is expected to disrupt the last 87 amino acid(s) of the RPGR (ORF15) protein.

GeneDx
Classification: Pathogenic. Last evaluated: 2022-08-10. Review status: criteria provided, single submitter. Criteria: GeneDx Variant Classification Process June 2021. Collection method: clinical testing. Allele origin: germline. Affected: yes.
Comment: Frameshift variant predicted to result in protein truncation or nonsense mediated decay in a gene for which loss of function is a known mechanism of disease; Not observed at significant frequency in large population cohorts (gnomAD); Observed in hemizygous state in an individual with cone rod dystrophy in published literature (Duncan et al., 2007); This variant is associated with the following publications: (PMID: 22264887, 17591900)

Literature cited by the submitters: PubMed 22264887 (cited by Labcorp Genetics (formerly Invitae), Labcorp).

NM_001034853.2(RPGR):c.3197_3198del (p.Glu1066fs)

Gene: RPGR (retinitis pigmentosa GTPase regulator; minus strand). Cytogenetic location: Xp11.4.
Variant type: Microsatellite.
Coding change: c.3197_3198del on transcript NM_001034853.2 (MANE Select); coding-DNA positions 3197 to 3198, 2 bases deleted (AG; older notation c.3197_3198delAG).
Protein change: p.Glu1066fs; shifts the reading frame from glutamic acid 1066.
Molecular consequence: frameshift variant. On other transcripts: intron variant (8).
Genome position (GRCh38, 1-based): chrX:38,285,801-38,285,802, CT deleted on the plus strand (AG on the coding strand, the reverse complement: RPGR is on the minus strand); deleting any 2 consecutive bases within chrX:38,285,801-38,285,804 gives the same sequence; the c. name uses the placement nearest the transcript's 3' end. VCF-style (leftmost placement, unchanged base first): chrX-38285800-CCT-C. GRCh37 (hg19) VCF-style: chrX-38145053-CCT-C.
Other names: c.1569+5157_1569+5158del (NM_001367249.1, NM_001367250.1); c.1902+1292_1902+1293del (NM_001367245.1); c.1386+5157_1386+5158del (NM_001367251.1); c.1719+1292_1719+1293del (NM_001367246.1); c.1572+5157_1572+5158del (NM_001367247.1); c.1905+1292_1905+1293del (NM_000328.3); c.1602+5157_1602+5158del (NM_001367248.1); c.3197_3198del (NM_001034853.1); short protein forms E1066fs.
Identifiers: ClinVar variation 2138527 (VCV002138527.6), dbSNP rs2519780933, ClinGen allele CA2580616969.